The following is an entry in ClinVar:

ClinVar aggregate classification (germline): Pathogenic (1 of 4 stars; one submission).

Submission:

Labcorp Genetics (formerly Invitae), Labcorp
Classification: Pathogenic. Last evaluated: 2022-03-13. Review status: criteria provided, single submitter. Criteria: Invitae Variant Classification Sherloc (09022015). Collection method: clinical testing. Allele origin: germline.
Comment: For these reasons, this variant has been classified as Pathogenic. This variant has not been reported in the literature in individuals affected with COL4A5-related conditions. This variant is not present in population databases (gnomAD no frequency). This sequence change creates a premature translational stop signal (p.Gly460Aspfs*14) in the COL4A5 gene. It is expected to result in an absent or disrupted protein product. Loss-of-function variants in COL4A5 are known to be pathogenic (PMID: 9195222, 10752524, 14514738, 24854265, 26809805).

Literature cited by the submitters: PubMed 9195222; PubMed 10752524; PubMed 14514738; PubMed 24854265; PubMed 26809805.

NM_033380.3(COL4A5):c.1377del (p.Gly460fs)

Gene: COL4A5 (collagen type IV alpha 5 chain; plus strand). Cytogenetic location: Xq22.3.
Variant type: Deletion.
Coding change: c.1377del on transcript NM_033380.3 (MANE Select); coding-DNA position 1377, one base deleted (A; older notation c.1377delA).
Protein change: p.Gly460fs; shifts the reading frame from glycine 460.
Molecular consequence: frameshift variant.
Genome position (GRCh38, 1-based): chrX:108,591,598, A deleted. VCF-style (leftmost placement, unchanged base first): chrX-108591597-CA-C. GRCh37 (hg19) VCF-style: chrX-107834827-CA-C.
Other names: c.1377del, p.Gly460fs (NM_000495.5); short protein forms G460fs.
Identifiers: ClinVar variation 2111061 (VCV002111061.4), dbSNP rs2524285007, ClinGen allele CA2580100233.